The following is an entry in ClinVar:

NM_052874.5(STX1B):c.320G>A (p.Arg107His)

Gene: STX1B (syntaxin 1B; minus strand). Cytogenetic location: 16p11.2.
Variant type: single nucleotide variant.
Coding change: c.320G>A on transcript NM_052874.5 (MANE Select); coding-DNA position 320, G replaced by A.
Protein change: p.Arg107His; replaces arginine 107 with histidine.
Molecular consequence: missense variant.
Genome position (GRCh38, 1-based): chr16:30,997,536, C>T on the plus strand (G>A on the coding strand, the complement: STX1B is on the minus strand). VCF-style: chr16-30997536-C-T. GRCh37 (hg19) VCF-style: chr16-31008857-C-T.
Other names: short protein forms R107H.
Identifiers: ClinVar variation 1014147 (VCV001014147.8), dbSNP rs3186882, ClinGen allele CA395649696.

ClinVar aggregate classification (germline): Uncertain significance (1 of 4 stars; one submission).

Conditions:
Generalized epilepsy with febrile seizures plus, type 9 (GEFSP9). Also called: GEFS+, TYPE 9. Identifiers: Orphanet 36387, MedGen C4015395, MONDO:0014517, OMIM 616172.

Submission:

Labcorp Genetics (formerly Invitae), Labcorp
Classification: Uncertain significance for Generalized epilepsy with febrile seizures plus, type 9. Last evaluated: 2020-03-10. Review status: criteria provided, single submitter. Criteria: Invitae Variant Classification Sherloc (09022015). Collection method: clinical testing. Allele origin: germline.
Comment: This sequence change replaces arginine with histidine at codon 107 of the STX1B protein (p.Arg107His). The arginine residue is moderately conserved and there is a small physicochemical difference between arginine and histidine. This variant is not present in population databases (ExAC no frequency). In summary, the available evidence is currently insufficient to determine the role of this variant in disease. Therefore, it has been classified as a Variant of Uncertain Significance. Algorithms developed to predict the effect of missense changes on protein structure and function are either unavailable or do not agree on the potential impact of this missense change (SIFT: "Tolerated"; PolyPhen-2: "Possibly Damaging"; Align-GVGD: "Class C0"). This variant has not been reported in the literature in individuals with STX1B-related conditions.